The following is an entry in ClinVar:

NM_001369.3(DNAH5):c.12234_12235insGACACCACAG (p.Gln4079fs)

Gene: DNAH5 (dynein axonemal heavy chain 5; minus strand). Cytogenetic location: 5p15.2.
Variant type: Insertion.
Coding change: c.12234_12235insGACACCACAG on transcript NM_001369.3 (MANE Select); coding-DNA positions 12234 to 12235, GACACCACAG inserted.
Protein change: p.Gln4079fs; shifts the reading frame from glutamine 4079.
Molecular consequence: frameshift variant.
Genome position: GRCh38 VCF-style: chr5-13721044-G-GCTGTGGTGTC. GRCh37 (hg19) VCF-style: chr5-13721153-G-GCTGTGGTGTC.
Other names: short protein forms Q4079fs.
Identifiers: ClinVar variation 5011167 (VCV005011167.1).
Genomic context (GRCh38, chr5:13,721,044, plus strand): 5'-GACTATTCAGCCTTACGTTCGCCATGGTCTGCTGCAAGAGCTTCCGAGCATGGACTTCCT[G>GCTGTGGTGTC]GCCCTGGCCCATGGACACATAACGGGTTTCTATTTTTAATCTCTTCCCCAAGGCAATGAT-3'

ClinVar aggregate classification (germline): Pathogenic (1 of 4 stars; one submission).

Conditions:
Primary ciliary dyskinesia 3. Identifiers: Orphanet 244, MedGen C1837618, MONDO:0012085, OMIM 608644.

Submission:

Myriad Genetics, Inc.
Classification: Pathogenic for Primary ciliary dyskinesia 3. Last evaluated: 2024-05-14. Review status: criteria provided, single submitter. Criteria: Myriad Autosomal Dominant, Autosomal Recessive and X-Linked Classification Criteria (2023). Collection method: clinical testing. Allele origin: unknown.
Comment: NM_001369.2(DNAH5):c.12234_12235ins10(Q4079Dfs*32) is expected to be pathogenic in the context of primary ciliary dyskinesia, DNAH5-related. This variant is predicted to lead to an abnormal or absent protein product due to the creation of a premature termination codon in DNAH5, a gene where loss-of-function variants are known to be pathogenic. Please note: this variant was assessed in the context of healthy population screening.